The following is an entry in ClinVar:

ClinVar aggregate classification (germline): Likely pathogenic (0 of 4 stars; one submission).

Conditions:
NSD2-related disorder. Also called: NSD2-related condition; NSD2 related disorders.

Submission:

PreventionGenetics, part of Exact Sciences
Classification: Likely pathogenic for NSD2-related condition. Last evaluated: 2024-06-06. Review status: no assertion criteria provided. Collection method: clinical testing. Allele origin: germline.
Comment: The NSD2 c.2523dupG variant is predicted to result in a frameshift and premature protein termination (p.Ser842Glufs*6). To our knowledge, this variant has not been reported in the literature or in a large population database, indicating this variant is rare. Frameshift variants in NSD2 are expected to be pathogenic. This variant is interpreted as likely pathogenic.

NM_001042424.2(NSD2):c.2523dupG

Gene: NSD2 (nuclear receptor binding SET domain protein 2; plus strand). Cytogenetic location: 4p16.3.
Variant type: Duplication.
Coding change: c.2523dupG on transcript NM_001042424.2; coding-DNA position 2523, one base duplicated (G).
Genome position (GRCh38, 1-based): chr4:1,955,697, G duplicated; the last of 6 consecutive G bases (chr4:1,955,692-1,955,697); duplicating any one gives the same sequence. VCF-style (leftmost placement, unchanged base first): chr4-1955691-A-AG. GRCh37 (hg19) VCF-style: chr4-1957418-A-AG.
Identifiers: ClinVar variation 3346076 (VCV003346076.1).